The following is an entry in ClinVar:

NM_133433.4(NIPBL):c.5389_5392del (p.Ser1797fs)

Gene: NIPBL (NIPBL cohesin loading factor; plus strand). Cytogenetic location: 5p13.2.
Variant type: Deletion.
Coding change: c.5389_5392del on transcript NM_133433.4 (MANE Select); coding-DNA positions 5389 to 5392, 4 bases deleted (TCTG; older notation c.5389_5392delTCTG).
Protein change: p.Ser1797fs; shifts the reading frame from serine 1797.
Molecular consequence: frameshift variant.
Genome position (GRCh38, 1-based): chr5:37,022,111-37,022,114, TCTG deleted; deleting any 4 consecutive bases within chr5:37,022,109-37,022,114 gives the same sequence; the c. name uses the placement nearest the transcript's 3' end. VCF-style (leftmost placement, unchanged base first): chr5-37022108-TTGTC-T. GRCh37 (hg19) VCF-style: chr5-37022210-TTGTC-T.
Other names: c.5389_5392del, p.Ser1797fs (NM_015384.5); short protein forms S1797fs.
Identifiers: ClinVar variation 159148 (VCV000159148.9), dbSNP rs587783973, ClinGen allele CA272147.

ClinVar aggregate classification (germline): Pathogenic. Review status: criteria provided, multiple submitters, no conflicts (2 of 4 stars). 2 submissions from 2 submitters: Pathogenic (2). Last evaluated 2023-10-11.

Conditions:
Cornelia de Lange syndrome 1 (CDLS1). Also called: Brachmann de Lange syndrome; NIPBL-Related Cornelia de Lange Syndrome; TYPUS DEGENERATIVUS AMSTELODAMENSIS. Identifiers: Orphanet 199, MedGen C4551851, MONDO:0007387, OMIM 122470.

Submissions (2):

Labcorp Genetics (formerly Invitae), Labcorp
Classification: Pathogenic for Cornelia de Lange syndrome 1. Last evaluated: 2023-10-11. Review status: criteria provided, single submitter. Criteria: Invitae Variant Classification Sherloc (09022015). Collection method: clinical testing. Allele origin: germline.
Comment: This sequence change creates a premature translational stop signal (p.Ser1797Argfs*5) in the NIPBL gene. It is expected to result in an absent or disrupted protein product. Loss-of-function variants in NIPBL are known to be pathogenic (PMID: 15318302, 19763162, 23505322, 29995837). This variant is not present in population databases (gnomAD no frequency). This variant has not been reported in the literature in individuals affected with NIPBL-related conditions. ClinVar contains an entry for this variant (Variation ID: 159148). For these reasons, this variant has been classified as Pathogenic.

Genetic Services Laboratory, University of Chicago
Classification: Pathogenic for Cornelia de Lange syndrome 1. Last evaluated: 2013-02-08. Review status: criteria provided, single submitter. Criteria: ACMG Guidelines, 2007. Collection method: clinical testing. Allele origin: germline. Inheritance: Autosomal dominant inheritance. Affected: yes.

Literature cited by the submitters: PubMed 15318302 (cited by Labcorp Genetics (formerly Invitae), Labcorp); PubMed 19763162 (cited by Labcorp Genetics (formerly Invitae), Labcorp); PubMed 23505322 (cited by Labcorp Genetics (formerly Invitae), Labcorp); PubMed 29995837 (cited by Labcorp Genetics (formerly Invitae), Labcorp).